The following is an entry in ClinVar:

NM_001458.5(FLNC):c.5592C>T (p.Ala1864=)

Genes: FLNC (filamin C; plus strand), FLNC-AS1 (FLNC antisense RNA 1; minus strand). Cytogenetic location: 7q32.1.
Variant type: single nucleotide variant.
Coding change: c.5592C>T on transcript NM_001458.5 (MANE Select); coding-DNA position 5592, C replaced by T.
Protein change: p.Ala1864=; no amino-acid change (alanine 1864 retained).
Molecular consequence: synonymous variant.
Genome position (GRCh38, 1-based): chr7:128,851,284, C>T. VCF-style: chr7-128851284-C-T. GRCh37 (hg19) VCF-style: chr7-128491338-C-T.
Other names: p.Ala1864=; c.5493C>T, p.Ala1831= (NM_001127487.2).
Identifiers: ClinVar variation 129093 (VCV000129093.29), dbSNP rs117517372, ClinGen allele CA152868.

ClinVar aggregate classification (germline): Benign. Review status: criteria provided, multiple submitters, no conflicts (2 of 4 stars). 12 submissions from 12 submitters: Benign (11). 1 of the submissions does not count toward it. Last evaluated 2026-02-03.

Conditions:
Myofibrillar myopathy 5. Also called: Filaminopathy (type); FILAMINOPATHY, AUTOSOMAL DOMINANT. Identifiers: Orphanet 171445, MedGen C1836050, MONDO:0012289, OMIM 609524.
Distal myopathy with posterior leg and anterior hand involvement. Also called: WILLIAMS DISTAL MYOPATHY. Identifiers: Orphanet 63273, MedGen C3279722, MONDO:0013550, OMIM 614065.
Hypertrophic cardiomyopathy 26. Also called: Cardiomyopathy, familial hypertrophic, 26. Identifiers: Orphanet 75249, MedGen C4310749, MONDO:0014883, OMIM 617047.
Cardiovascular phenotype. Identifiers: MedGen CN230736.
Cardiomyopathy (CMYO). Also called: Cardiomyopathies. Identifiers: Orphanet 167848, MedGen C0878544, MONDO:0004994, HP:0001638. Inheritance: Various modes of inheritance.

Allele frequency attached by ClinVar (database versions not stated): ESP Exome Variant Server 0.00008; gnomAD 0.00048 and 0.00263; TOPMed 0.00085; gnomAD exomes 0.00364 and 0.00755; ExAC 0.00833; 1000 Genomes Project 30x 0.02186; 1000 Genomes Project 0.02396.
gnomAD v4.1: 5,769 of 1,614,134 alleles (0.36%); highest among the groups gnomAD compares: South Asian, 5%; 179 homozygotes.

Submissions (12):

Labcorp Genetics (formerly Invitae), Labcorp
Classification: Benign for Distal myopathy with posterior leg and anterior hand involvement; Myofibrillar myopathy 5; Hypertrophic cardiomyopathy 26. Last evaluated: 2026-02-03. Review status: criteria provided, single submitter. Criteria: Invitae Variant Classification Sherloc (09022015). Collection method: clinical testing. Allele origin: germline.

ARUP Laboratories, Molecular Genetics and Genomics, ARUP Laboratories
Classification: Benign. Last evaluated: 2025-06-05. Review status: criteria provided, single submitter. Criteria: ARUP Molecular Germline Variant Investigation Process 2024. Collection method: clinical testing. Allele origin: germline.

Molecular Diagnostic Laboratory for Inherited Cardiovascular Disease, Montreal Heart Institute
Classification: Benign. Last evaluated: 2025-04-09. Review status: criteria provided, single submitter. Criteria: ACMG Guidelines, 2015. Collection method: clinical testing. Allele origin: germline. Affected: no.

Blueprint Genetics
Classification: Benign. Last evaluated: 2024-11-22. Review status: criteria provided, single submitter. Criteria: ACMG Guidelines, 2015. Collection method: clinical testing. Allele origin: germline.

Mayo Clinic Laboratories, Mayo Clinic
Classification: Benign. Last evaluated: 2023-08-20. Review status: criteria provided, single submitter. Criteria: ACMG Guidelines, 2015. Collection method: clinical testing. Allele origin: germline. Observed: 4 variant alleles.

CHEO Genetics Diagnostic Laboratory, Children's Hospital of Eastern Ontario
Classification: Benign for Cardiomyopathy. Last evaluated: 2023-05-29. Review status: criteria provided, single submitter. Criteria: ACMG Guidelines, 2015. Collection method: clinical testing. Allele origin: germline.

Women's Health and Genetics/Laboratory Corporation of America, LabCorp
Classification: Benign. Last evaluated: 2023-04-10. Review status: criteria provided, single submitter. Criteria: LabCorp Variant Classification Summary - May 2015. Collection method: clinical testing. Allele origin: germline.

Ambry Genetics
Classification: Benign for Cardiovascular phenotype. Last evaluated: 2019-03-20. Review status: criteria provided, single submitter. Criteria: Ambry Variant Classification Scheme 2023. Collection method: clinical testing. Allele origin: germline.

GeneDx
Classification: Benign. Last evaluated: 2017-07-31. Review status: criteria provided, single submitter. Criteria: GeneDx Variant Classification (06012015). Collection method: clinical testing. Allele origin: germline. Affected: yes.
Comment: This variant is considered likely benign or benign based on one or more of the following criteria: it is a conservative change, it occurs at a poorly conserved position in the protein, it is predicted to be benign by multiple in silico algorithms, and/or has population frequency not consistent with disease.

Eurofins Ntd Llc (ga)
Classification: Benign. Last evaluated: 2014-12-23. Review status: criteria provided, single submitter. Criteria: EGL Classification Definitions 2015. Collection method: clinical testing. Allele origin: germline. Observed: 2 variant alleles, 2 heterozygotes.

PreventionGenetics, part of Exact Sciences
Classification: Benign. Review status: criteria provided, single submitter. Criteria: ACMG Guidelines, 2015. Collection method: clinical testing. Allele origin: germline.

Genetic Services Laboratory, University of Chicago
Classification: Likely benign for AllHighlyPenetrant. Review status: no assertion criteria provided. Collection method: clinical testing. Allele origin: germline. Inheritance: Autosomal dominant inheritance. Not counted in ClinVar's aggregate classification.
Comment: Likely benign based on allele frequency in 1000 Genomes Project or ESP global frequency and its presence in a patient with a rare or unrelated disease phenotype. NOT Sanger confirmed.